The following is an entry in ClinVar:

ClinVar aggregate classification (germline): Pathogenic/Likely pathogenic. Review status: criteria provided, multiple submitters, no conflicts (2 of 4 stars). 2 submissions from 2 submitters: Pathogenic (1); Likely pathogenic (1). Last evaluated 2024-08-08.

Conditions:
Bethlem myopathy 1A. Also called: MYOPATHY, BENIGN CONGENITAL, WITH CONTRACTURES; Bethlem myopathy 1; Bethlem Muscular Dystrophy. Identifiers: Orphanet 610, MedGen CN029274, MONDO:0024530, OMIM 158810.

Submissions (2):

Labcorp Genetics (formerly Invitae), Labcorp
Classification: Pathogenic for Bethlem myopathy 1A. Last evaluated: 2024-08-08. Review status: criteria provided, single submitter. Criteria: Invitae Variant Classification Sherloc (09022015). Collection method: clinical testing. Allele origin: germline.
Comment: This sequence change creates a premature translational stop signal (p.Ser453Thrfs*15) in the COL6A3 gene. It is expected to result in an absent or disrupted protein product. Loss-of-function variants in COL6A3 are known to be pathogenic (PMID: 26004199). This variant is not present in population databases (gnomAD no frequency). This variant has not been reported in the literature in individuals affected with COL6A3-related conditions. For these reasons, this variant has been classified as Pathogenic.

Revvity Omics, Revvity
Classification: Likely pathogenic. Last evaluated: 2024-02-28. Review status: criteria provided, single submitter. Criteria: ACMG Guidelines, 2015. Collection method: clinical testing. Allele origin: germline.

Literature cited by the submitters: PubMed 26004199 (cited by Labcorp Genetics (formerly Invitae), Labcorp).

NM_004369.4(COL6A3):c.1357_1364del (p.Ser453fs)

Gene: COL6A3 (collagen type VI alpha 3 chain; minus strand). Cytogenetic location: 2q37.3.
Variant type: Deletion.
Coding change: c.1357_1364del on transcript NM_004369.4 (MANE Select); coding-DNA positions 1357 to 1364, 8 bases deleted (TCATCTGC; older notation c.1357_1364delTCATCTGC).
Protein change: p.Ser453fs; shifts the reading frame from serine 453.
Molecular consequence: frameshift variant.
Genome position (GRCh38, 1-based): chr2:237,381,448-237,381,455, GCAGATGA deleted on the plus strand (TCATCTGC on the coding strand, the reverse complement: COL6A3 is on the minus strand); deleting any 8 consecutive bases within chr2:237,381,448-237,381,457 gives the same sequence; the c. name uses the placement nearest the transcript's 3' end. VCF-style (leftmost placement, unchanged base first): chr2-237381447-TGCAGATGA-T. GRCh37 (hg19) VCF-style: chr2-238290090-TGCAGATGA-T.
Other names: c.136_143del, p.Ser46fs (NM_057164.5, NM_057166.5); c.739_746del, p.Ser247fs (NM_057165.5, NM_057167.4); short protein forms S46fs, S247fs, S453fs.
Identifiers: ClinVar variation 3670676 (VCV003670676.3).